The following is an entry in ClinVar:

ClinVar aggregate classification (germline): Pathogenic (1 of 4 stars; one submission).

Conditions:
Joubert syndrome 1 (JBTS1). Also called: CEREBELLOPARENCHYMAL DISORDER IV; Cerebellooculorenal syndrome 1. Identifiers: MedGen C4551568, MONDO:0008944, OMIM 213300.

Submission:

Advanced Center For Translational And Genetic Medicine, Ann & Robert H. Lurie Children's Hospital Of Chicago
Classification: Pathogenic for Joubert syndrome 1. Last evaluated: 2024-07-29. Review status: criteria provided, single submitter. Criteria: ACMG Guidelines, 2015. Collection method: research, in vitro. Allele origin: paternal, not applicable. Affected: yes. Observed: 1 compound heterozygote. Functional consequence: activated cryptic splice site acceptor.
Comment: Null (aberrant mRNA splicing leading to frameshift) variant in a gene where (LOF) is a known mechanism of disease (PVS1), Well-established in vitro or in vivo functional studies supportive of a damaging effect on the gene or gene product (PS3), absent from gnomAD v4.1.0 (PM2), Multiple computational tools support deleterious effect, CADD=23.8 and Mutation Taster predicts Disease Causing (PP3)

NM_024899.4(CEP76):c.307C>T (p.Pro103Ser)

Genes: CEP76 (centrosomal protein 76; minus strand), PSMG2 (proteasome assembly chaperone 2; plus strand). Cytogenetic location: 18p11.21.
Variant type: single nucleotide variant.
Coding change: c.307C>T on transcript NM_024899.4 (MANE Select); coding-DNA position 307, C replaced by T.
Protein change: p.Pro103Ser; replaces proline 103 with serine.
Molecular consequence: missense variant. On other transcripts: non-coding transcript variant (1), intron variant (2).
Genome position (GRCh38, 1-based): chr18:12,699,192, G>A on the plus strand (C>T on the coding strand, the complement: CEP76 is on the minus strand). VCF-style: chr18-12699192-G-A. GRCh37 (hg19) VCF-style: chr18-12699191-G-A.
Other names: c.-36-7358G>A (NM_147163.2); c.295+638C>T (NM_001271989.2); short protein forms P103S.
Identifiers: ClinVar variation 4075828 (VCV004075828.1).